The following is an entry in ClinVar:

ClinVar aggregate classification (germline): Uncertain significance. Review status: criteria provided, multiple submitters, no conflicts (2 of 4 stars). 2 submissions from 2 submitters: Uncertain significance (2). Last evaluated 2025-10-11.

Conditions:
Cardiovascular phenotype. Identifiers: MedGen CN230736.
Hereditary cancer-predisposing syndrome. Also called: Tumor predisposition; Neoplastic Syndromes, Hereditary; Hereditary neoplastic syndrome; Hereditary Cancer Syndrome. Identifiers: Orphanet 140162, MedGen C0027672, MeSH D009386, MONDO:0015356.

Submissions (2):

Labcorp Genetics (formerly Invitae), Labcorp
Classification: Uncertain significance. Last evaluated: 2025-10-11. Review status: criteria provided, single submitter. Criteria: Invitae Variant Classification Sherloc (09022015). Collection method: clinical testing. Allele origin: germline.
Comment: This sequence change replaces alanine, which is neutral and non-polar, with aspartic acid, which is acidic and polar, at codon 516 of the LZTR1 protein (p.Ala516Asp). This variant is not present in population databases (gnomAD no frequency). This variant has not been reported in the literature in individuals affected with LZTR1-related conditions. Invitae Evidence Modeling of protein sequence and biophysical properties (such as structural, functional, and spatial information, amino acid conservation, physicochemical variation, residue mobility, and thermodynamic stability) indicates that this missense variant is not expected to disrupt LZTR1 protein function with a negative predictive value of 80%. In summary, the available evidence is currently insufficient to determine the role of this variant in disease. Therefore, it has been classified as a Variant of Uncertain Significance.

Ambry Genetics
Classification: Uncertain significance for Cardiovascular phenotype; Hereditary cancer-predisposing syndrome. Last evaluated: 2025-08-31. Review status: criteria provided, single submitter. Criteria: Ambry Variant Classification Scheme 2023. Collection method: clinical testing. Allele origin: germline.
Comment: The p.A516D variant (also known as c.1547C>A), located in coding exon 14 of the LZTR1 gene, results from a C to A substitution at nucleotide position 1547. The alanine at codon 516 is replaced by aspartic acid, an amino acid with dissimilar properties. This amino acid position is conserved. In addition, this alteration is predicted to be deleterious by in silico analysis. Based on the available evidence, the clinical significance of this variant remains unclear.

NM_006767.4(LZTR1):c.1547C>A (p.Ala516Asp)

Gene: LZTR1 (leucine zipper like post translational regulator 1; plus strand). Cytogenetic location: 22q11.21.
Variant type: single nucleotide variant.
Coding change: c.1547C>A on transcript NM_006767.4 (MANE Select); coding-DNA position 1547, C replaced by A.
Protein change: p.Ala516Asp; replaces alanine 516 with aspartic acid.
Molecular consequence: missense variant.
Genome position (GRCh38, 1-based): chr22:20,994,201, C>A. VCF-style: chr22-20994201-C-A. GRCh37 (hg19) VCF-style: chr22-21348490-C-A.
Other names: short protein forms A516D.
Identifiers: ClinVar variation 4101806 (VCV004101806.2).